The following is an entry in ClinVar:

ClinVar aggregate classification (germline): Likely pathogenic (1 of 4 stars; one submission).

Conditions:
Microcephaly 8, primary, autosomal recessive. Identifiers: Orphanet 2512, MedGen C3553414, MONDO:0013849, OMIM 614673.

gnomAD v4.1: 7 of 1,609,982 alleles (0.00043%); highest among the groups gnomAD compares: East Asian, 0.0022%; no homozygotes.

Submission:

Juno Genomics, Hangzhou Juno Genomics, Inc
Classification: Likely pathogenic for Microcephaly 8, primary, autosomal recessive. Review status: criteria provided, single submitter. Criteria: ACMG Guidelines, 2015. Collection method: clinical testing. Allele origin: germline.
Comment: Absent from controls (or at extremely low frequency if recessive) in Genome Aggregation Database.;Null variant in a gene where loss of function (LOF) is a known mechanism of disease.

NM_025009.5(CEP135):c.2362C>T (p.Arg788Ter)

Gene: CEP135 (centrosomal protein 135; plus strand). Cytogenetic location: 4q12.
Variant type: single nucleotide variant.
Coding change: c.2362C>T on transcript NM_025009.5 (MANE Select); coding-DNA position 2362, C replaced by T.
Protein change: p.Arg788Ter; replaces arginine 788 with a stop codon.
Molecular consequence: nonsense.
Genome position (GRCh38, 1-based): chr4:56,009,760, C>T. VCF-style: chr4-56009760-C-T. GRCh37 (hg19) VCF-style: chr4-56875926-C-T.
Other names: short protein forms R788*.
Identifiers: ClinVar variation 5019099 (VCV005019099.2).